The following is an entry in ClinVar:

ClinVar aggregate classification (germline): Benign/Likely benign. Review status: criteria provided, multiple submitters, no conflicts (2 of 4 stars). 17 submissions from 17 submitters: Benign (13); Likely benign (1). 3 of the submissions do not count toward it. Last evaluated 2026-02-04.

Conditions:
Cardiovascular phenotype. Identifiers: MedGen CN230736.
Cardiac arrhythmia. Also called: Arrhythmia; Cardiac rhythm disease. Identifiers: MedGen C0003811, MONDO:0007263, HP:0011675.
Long QT syndrome (LQTS). Identifiers: MedGen C0023976, MeSH D008133, MONDO:0002442. Disease mechanism: loss of function. Inheritance: Various modes of inheritance.
Long QT syndrome 2 (LQT2). Identifiers: Orphanet 101016, Orphanet 768, MedGen C3150943, MONDO:0013367, OMIM 613688.

Allele frequency attached by ClinVar (database versions not stated): gnomAD exomes 0.24244 and 0.30184; gnomAD 0.26163 and 0.25427; TOPMed 0.26667; ESP Exome Variant Server 0.22636; 1000 Genomes Project 0.34165; ExAC 0.29345; 1000 Genomes Project 30x 0.33339.
gnomAD v4.1: 395,758 of 1,613,742 alleles (25%); highest among the groups gnomAD compares: East Asian, 68%; 55,335 homozygotes.

Submissions (17):

Labcorp Genetics (formerly Invitae), Labcorp
Classification: Benign for Long QT syndrome. Last evaluated: 2026-02-04. Review status: criteria provided, single submitter. Criteria: Invitae Variant Classification Sherloc (09022015). Collection method: clinical testing. Allele origin: germline.

Blueprint Genetics
Classification: Likely benign. Last evaluated: 2024-11-27. Review status: criteria provided, single submitter. Criteria: ACMG Guidelines, 2015. Collection method: clinical testing. Allele origin: germline.

All of Us Research Program, National Institutes of Health
Classification: Benign for Long QT syndrome. Last evaluated: 2024-10-01. Review status: criteria provided, single submitter. Criteria: ACMG Guidelines, 2015. Collection method: clinical testing. Allele origin: germline. Inheritance: Autosomal dominant inheritance. Observed: 62,350 variant alleles, 52,184 heterozygotes, 10,150 homozygotes, 16 hemizygotes.
Comment: This study involves interpretation of variants in research participants for the purpose of population health screening. Participant phenotype was not available at the time of variant classification. Additional details can be found in publication PMID: 35346344, PMCID: PMC8962531

Genome-Nilou Lab
Classification: Benign for Long QT syndrome 2. Last evaluated: 2021-08-19. Review status: criteria provided, single submitter. Criteria: ACMG Guidelines, 2015. Collection method: clinical testing. Allele origin: germline. Affected: no.

Molecular Diagnostic Laboratory for Inherited Cardiovascular Disease, Montreal Heart Institute
Classification: Benign. Last evaluated: 2019-07-10. Review status: criteria provided, single submitter. Criteria: ACMG Guidelines, 2015. Collection method: clinical testing. Allele origin: germline. Affected: yes.

Color Diagnostics, LLC DBA Color Health
Classification: Benign for Arrhythmia. Last evaluated: 2018-03-16. Review status: criteria provided, single submitter. Criteria: ACMG Guidelines, 2015. Collection method: clinical testing. Allele origin: germline.

Illumina Laboratory Services, Illumina
Classification: Benign for Long QT syndrome 2. Last evaluated: 2018-01-13. Review status: criteria provided, single submitter. Criteria: ICSL Variant Classification Criteria 13 December 2019. Collection method: clinical testing. Allele origin: germline.
Comment: This variant was observed in the ICSL laboratory as part of a predisposition screen in an ostensibly healthy population. It had not been previously curated by ICSL or reported in the Human Gene Mutation Database (HGMD: prior to June 1st, 2018), and was therefore a candidate for classification through an automated scoring system. Utilizing variant allele frequency, disease prevalence and penetrance estimates, and inheritance mode, an automated score was calculated to assess if this variant is too frequent to cause the disease. Based on the score and internal cut-off values, a variant classified as benign is not then subjected to further curation. The score for this variant resulted in a classification of benign for this disease.

Laboratory for Molecular Medicine, Mass General Brigham Personalized Medicine
Classification: Benign. Last evaluated: 2016-12-27. Review status: criteria provided, single submitter. Criteria: LMM Criteria. Collection method: clinical testing. Allele origin: germline. Observed: 2 variant alleles.
Comment: Phe513Phe in exon 6 of KCNH2: This variant is not expected to have clinical sign ificance because it does not alter an amino acid residue and is not located with in the splice consensus sequence. It has been identified in 25.2% (1110/4406) of African American chromosomes from a broad population by the NHLBI Exome Sequenc ing Project (dbSNP rs1805120).

Ambry Genetics
Classification: Benign for Cardiovascular phenotype. Last evaluated: 2015-03-09. Review status: criteria provided, single submitter. Criteria: Ambry Autosomal Dominant and X-Linked criteria (10/2015). Collection method: clinical testing. Allele origin: germline. Observed: 1 variant allele.
Comment: General population or subpopulation frequency is too high to be a pathogenic mutation based on disease/syndrome prevalence and penetrance;Internal frequency is too high to be a pathogenic mutation based on disease/syndrome prevalence and penetrance

GeneDx
Classification: Benign. Last evaluated: 2015-03-03. Review status: criteria provided, single submitter. Criteria: GeneDx Variant Classification Process June 2021. Collection method: clinical testing. Allele origin: germline. Affected: yes.

Mayo Clinic Laboratories, Mayo Clinic
Classification: Benign. Last evaluated: 2014-12-11. Review status: criteria provided, single submitter. Criteria: ACMG Guidelines, 2015. Collection method: clinical testing. Allele origin: germline. Observed: 622 variant alleles.

Women's Health and Genetics/Laboratory Corporation of America, LabCorp
Classification: Benign for Arrhythmia. Last evaluated: 2011-08-18. Review status: criteria provided, single submitter. Criteria: LabCorp Variant Classification Summary - May 2015. Collection method: clinical testing. Allele origin: not applicable. Inheritance: autosomal unknown.
ClinVar note: Converted during submission from benign to Benign.

Breakthrough Genomics
Classification: Benign. Review status: criteria provided, single submitter. Criteria: ACMG Guidelines, 2015. Collection method: not provided. Allele origin: germline. Inheritance: Autosomal dominant inheritance. Affected: yes.

PreventionGenetics, part of Exact Sciences
Classification: Benign. Review status: criteria provided, single submitter. Criteria: ACMG Guidelines, 2015. Collection method: clinical testing. Allele origin: germline.

Cohesion Phenomics
Classification: Benign for Long QT syndrome. Last evaluated: 2022-09-23. Review status: no assertion criteria provided. Criteria: ACMG Guidelines, 2015. Collection method: clinical testing. Allele origin: germline. Affected: yes. Not counted in ClinVar's aggregate classification.

Clinical Genetics, Academic Medical Center
Classification: Benign. Review status: no assertion criteria provided. Collection method: clinical testing. Allele origin: germline. Affected: yes. Study: VKGL Data-share Consensus. Not counted in ClinVar's aggregate classification.

Joint Genome Diagnostic Labs from Nijmegen and Maastricht, Radboudumc and MUMC+
Classification: Benign. Review status: no assertion criteria provided. Collection method: clinical testing. Allele origin: germline. Affected: yes. Study: VKGL Data-share Consensus. Not counted in ClinVar's aggregate classification.

Literature cited by the submitters: PubMed 18426444 (cited by Women's Health and Genetics/Laboratory Corporation of America, LabCorp); PubMed 10807545 (cited by Women's Health and Genetics/Laboratory Corporation of America, LabCorp); PubMed 17597962 (cited by Women's Health and Genetics/Laboratory Corporation of America, LabCorp); PubMed 15746444 (cited by Women's Health and Genetics/Laboratory Corporation of America, LabCorp); PubMed 15599693 (cited by Women's Health and Genetics/Laboratory Corporation of America, LabCorp); PubMed 19305409 (cited by Women's Health and Genetics/Laboratory Corporation of America, LabCorp); PubMed 19490382 (cited by Women's Health and Genetics/Laboratory Corporation of America, LabCorp); PubMed 14760488 (cited by Women's Health and Genetics/Laboratory Corporation of America, LabCorp).

NM_000238.4(KCNH2):c.1539C>T (p.Phe513=)

Gene: KCNH2 (potassium voltage-gated channel subfamily H member 2; minus strand). Cytogenetic location: 7q36.1.
Variant type: single nucleotide variant.
Coding change: c.1539C>T on transcript NM_000238.4 (MANE Select); coding-DNA position 1539, C replaced by T.
Protein change: p.Phe513=; no amino-acid change (phenylalanine 513 retained).
Molecular consequence: synonymous variant. On other transcripts: non-coding transcript variant (2).
Genome position (GRCh38, 1-based): chr7:150,952,443, G>A on the plus strand (C>T on the coding strand, the complement: KCNH2 is on the minus strand). VCF-style: chr7-150952443-G-A. GRCh37 (hg19) VCF-style: chr7-150649531-G-A.
Other names: p.Phe513=; c.519C>T, p.Phe173= (NM_001204798.2, NM_172057.3); c.1251C>T, p.Phe417= (NM_001406753.1, NM_001406756.1); c.1362C>T, p.Phe454= (NM_001406755.1); c.1239C>T, p.Phe413= (NM_001406757.1); c.1539C>T, p.Phe513= (NM_172056.3); c.1539C>T (NM_000238.2).
Identifiers: ClinVar variation 36428 (VCV000036428.42), dbSNP rs1805120, ClinGen allele CA004776.